The following is an entry in ClinVar:

ClinVar aggregate classification (germline): Uncertain significance. Review status: criteria provided, multiple submitters, no conflicts (2 of 4 stars). 8 submissions from 8 submitters: Uncertain significance (8). Last evaluated 2025-09-20.

Conditions:
MYH7-related disorder. Also called: MYH7-related disorders; MYH7-related condition; MYH7-related disease.
Congenital myopathy with fiber type disproportion. Also called: Congenital fiber-type disproportion; Congenital fiber-type disproportion myopathy. Identifiers: Orphanet 2020, MedGen C0546264, MONDO:0009711. Inheritance: all.
Dilated cardiomyopathy 1S (CMD1S). Identifiers: Orphanet 154, Orphanet 54260, MedGen C1834481, MONDO:0013262, OMIM 613426.
Myosin storage myopathy (CMYO7A). Also called: MYOPATHY, HYALINE BODY, AUTOSOMAL DOMINANT; MYOPATHY WITH LYSIS OF TYPE I MYOFIBRILS; Scapuloperoneal myopathy, MYH7-related; SCAPULOPERONEAL MUSCULAR DYSTROPHY; SCAPULOPERONEAL SYNDROME, MYOPATHIC TYPE; MYH7-related late-onset scapuloperoneal muscular dystrophy. Identifiers: Orphanet 437572, Orphanet 636965, MedGen C1842160, MONDO:0008409, OMIM 608358.
Hypertrophic cardiomyopathy 1 (CMH1). Also called: MYH7-Related Familial Hypertrophic Cardiomyopathy; Familial hypertrophic cardiomyopathy 1. Identifiers: MedGen C3495498, MONDO:0008647, OMIM 192600.
Myopathy, myosin storage, autosomal recessive (CMYO7B). Also called: CONGENITAL MYOPATHY 7B, MYOSIN STORAGE, AUTOSOMAL RECESSIVE. Identifiers: Orphanet 636970, MedGen C1850709, MONDO:0009708, OMIM 255160.
MYH7-related skeletal myopathy. Also called: MYOPATHY, DISTAL, EARLY-ONSET, AUTOSOMAL DOMINANT; MYOPATHY, LATE DISTAL HEREDITARY; Laing distal myopathy; Myopathy, distal, 1; Laing early-onset distal myopathy. Identifiers: Orphanet 59135, MedGen C4552004, MONDO:0008050, OMIM 160500.
Cardiovascular phenotype. Identifiers: MedGen CN230736.
Cardiomyopathy (CMYO). Also called: Cardiomyopathies. Identifiers: Orphanet 167848, MedGen C0878544, MONDO:0004994, HP:0001638. Inheritance: Various modes of inheritance.
Primary dilated cardiomyopathy (DCM). Also called: Dilated Cardiomyopathy. Identifiers: Orphanet 217604, MedGen C0007193, MeSH D002311, MONDO:0005021, HP:0001644. Inheritance: Various modes of inheritance.
Hypertrophic cardiomyopathy. Also called: HYPERTROPHIC MYOCARDIOPATHY. Identifiers: Orphanet 217569, MedGen C0007194, MeSH D002312, MONDO:0005045, HP:0001639.

Allele frequency attached by ClinVar (database versions not stated): TOPMed below 0.00001; gnomAD 0.00001.
gnomAD v4.1: 3 of 1,614,074 alleles (0.00019%); highest among the groups gnomAD compares: East Asian, 0.0022%; no homozygotes.

Submissions (8):

Labcorp Genetics (formerly Invitae), Labcorp
Classification: Uncertain significance for Hypertrophic cardiomyopathy. Last evaluated: 2025-09-20. Review status: criteria provided, single submitter. Criteria: Invitae Variant Classification Sherloc (09022015). Collection method: clinical testing. Allele origin: germline.
Comment: This sequence change replaces isoleucine, which is neutral and non-polar, with methionine, which is neutral and non-polar, at codon 836 of the MYH7 protein (p.Ile836Met). This variant is not present in population databases (gnomAD no frequency). This missense change has been observed in individual(s) with hypertrophic cardiomyopathy and dilated cardiomyopathy (PMID: 27247418, 30297972, 34137518). ClinVar contains an entry for this variant (Variation ID: 235030). Invitae Evidence Modeling of protein sequence and biophysical properties (such as structural, functional, and spatial information, amino acid conservation, physicochemical variation, residue mobility, and thermodynamic stability) indicates that this missense variant is expected to disrupt MYH7 protein function with a positive predictive value of 95%. In summary, the available evidence is currently insufficient to determine the role of this variant in disease. Therefore, it has been classified as a Variant of Uncertain Significance.

PreventionGenetics, part of Exact Sciences
Classification: Uncertain significance for MYH7-related condition. Last evaluated: 2024-11-03. Review status: criteria provided, single submitter. Criteria: ACMG Guidelines, 2015. Collection method: clinical testing. Allele origin: germline.
Comment: The MYH7 c.2508C>G variant is predicted to result in the amino acid substitution p.Ile836Met. This variant has been reported in at least one individual with hypertrophic cardiomyopathy (Dataset S1, Homburger et al. 2016. PubMed ID: 27247418; Table S1, Ho et al. 2018. PubMed ID: 30297972). This variant has not been reported in a large population database (gnomAD), indicating this variant is rare. At this time, the clinical significance of this variant is uncertain due to the absence of conclusive functional and genetic evidence.

Color Diagnostics, LLC DBA Color Health
Classification: Uncertain significance for Cardiomyopathy. Last evaluated: 2024-10-29. Review status: criteria provided, single submitter. Criteria: ACMG Guidelines, 2015. Collection method: clinical testing. Allele origin: germline.
Comment: This missense variant replaces isoleucine with methionine at codon 836 of the MYH7 protein. This variant is found within a highly conserved region of the myosin head domain. Missense variants in this region have been shown to be significantly overrepresented in individuals with affected with hypertrophic cardiomyopathy (PMID: 27532257). Computational prediction suggests that this variant may have deleterious impact on protein structure and function. To our knowledge, functional studies have not been reported for this variant. This variant has been reported in an individual affected with hypertrophic cardiomyopathy (PMID: 27247418, 30297972) and in an individual affected with dilated cardiomyopathy (PMID: 34137518). This variant has not been identified in the general population by the Genome Aggregation Database (gnomAD). The available evidence is insufficient to determine the role of this variant in disease conclusively. Therefore, this variant is classified as a Variant of Uncertain Significance.

Ambry Genetics
Classification: Uncertain significance for Cardiovascular phenotype. Last evaluated: 2024-08-28. Review status: criteria provided, single submitter. Criteria: Ambry Variant Classification Scheme 2023. Collection method: clinical testing. Allele origin: germline.
Comment: The p.I836M variant (also known as c.2508C>G), located in coding exon 20 of the MYH7 gene, results from a C to G substitution at nucleotide position 2508. The isoleucine at codon 836 is replaced by methionine, an amino acid with highly similar properties. This alteration is located in the myosin head domain, which contains a statistically significant clustering of pathogenic missense variants (Homburger JR et al. Proc Natl Acad Sci U S A, 2016 06;113:6701-6; Walsh R et al. Genet Med, 2017 02;19:192-203; Ambry internal data). This variant was reported in one individual from a hypertrophic cardiomyopathy (HCM) cohort with limited details provided (Homburger JR et al. Proc Natl Acad Sci U S A, 2016 06;113:6701-6). This amino acid position is highly conserved in available vertebrate species. In addition, this alteration is predicted to be deleterious by in silico analysis. Since supporting evidence is limited at this time, the clinical significance of this alteration remains unclear.

Fulgent Genetics
Classification: Uncertain significance for MYH7-related skeletal myopathy; Myosin storage myopathy; Hypertrophic cardiomyopathy 1; Myopathy, myosin storage, autosomal recessive; Congenital myopathy 4A, autosomal dominant; Dilated cardiomyopathy 1S. Last evaluated: 2021-10-06. Review status: criteria provided, single submitter. Criteria: ACMG Guidelines, 2015. Collection method: clinical testing. Allele origin: unknown.

CHEO Genetics Diagnostic Laboratory, Children's Hospital of Eastern Ontario
Classification: Uncertain significance for Cardiomyopathy. Last evaluated: 2017-04-03. Review status: criteria provided, single submitter. Criteria: ACMG Guidelines, 2015. Collection method: clinical testing. Allele origin: germline. Study: Canadian Open Genetics Repository.

Stanford Center for Inherited Cardiovascular Disease, Stanford University
Classification: Uncertain significance. Last evaluated: 2011-12-12. Review status: criteria provided, single submitter. Criteria: ACMG Guidelines, 2015. Collection method: provider interpretation. Allele origin: germline.

Genetics and Genomics Program, Sidra Medicine
Classification: Uncertain significance for Primary dilated cardiomyopathy. Review status: criteria provided, single submitter. Criteria: ACMG Guidelines, 2015. Collection method: research. Allele origin: unknown. Affected: yes. Observed: 1 variant allele.

Literature cited by the submitters: PubMed 27247418 (cited by 3 submitters); PubMed 30297972 (cited by Labcorp Genetics (formerly Invitae), Labcorp and Color Diagnostics, LLC DBA Color Health); PubMed 34137518 (cited by 3 submitters); PubMed 27532257 (cited by Color Diagnostics, LLC DBA Color Health); PubMed 31199839 (cited by Ambry Genetics).

NM_000257.4(MYH7):c.2508C>G (p.Ile836Met)

Genes: MYH7 (myosin heavy chain 7; minus strand), LOC126861898 (BRD4-independent group 4 enhancer GRCh37_chr14:23893609-23894808; plus strand). Cytogenetic location: 14q11.2.
Variant type: single nucleotide variant.
Coding change: c.2508C>G on transcript NM_000257.4 (MANE Select); coding-DNA position 2508, C replaced by G.
Protein change: p.Ile836Met; replaces isoleucine 836 with methionine.
Molecular consequence: missense variant.
Genome position (GRCh38, 1-based): chr14:23,424,940, G>C on the plus strand (C>G on the coding strand, the complement: MYH7 is on the minus strand). VCF-style: chr14-23424940-G-C. GRCh37 (hg19) VCF-style: chr14-23894149-G-C.
Other names: c.2508C>G (LRG_384t1); short protein forms I836M.
Identifiers: ClinVar variation 235030 (VCV000235030.23), dbSNP rs772442923, ClinGen allele CA10581173.